The following is an entry in ClinVar:

ClinVar aggregate classification (germline): Uncertain significance. Review status: criteria provided, multiple submitters, no conflicts (2 of 4 stars). 2 submissions from 2 submitters: Uncertain significance (2). Last evaluated 2025-12-19.

Conditions:
Inborn genetic diseases. Identifiers: MedGen C0950123, MeSH D030342.
Glycogen storage disease IXd (GSD9D). Also called: GSD IXd; Muscle Phosphorylase Kinase Deficiency. Identifiers: Orphanet 715, MedGen C1845151, MONDO:0010362, OMIM 300559.

Allele frequency attached by ClinVar (database versions not stated): TOPMed 0.00005; gnomAD 0.00006 and 0.00007.
gnomAD v4.1: 47 of 1,207,719 alleles (0.0039%); highest among the groups gnomAD compares: Non-Finnish European, 0.0049%; no homozygotes.

Submissions (2):

Labcorp Genetics (formerly Invitae), Labcorp
Classification: Uncertain significance for Glycogen storage disease IXd. Last evaluated: 2025-12-19. Review status: criteria provided, single submitter. Criteria: Invitae Variant Classification Sherloc (09022015). Collection method: clinical testing. Allele origin: germline.
Comment: This sequence change replaces tyrosine, which is neutral and polar, with phenylalanine, which is neutral and non-polar, at codon 531 of the PHKA1 protein (p.Tyr531Phe). This variant is present in population databases (rs781878909, gnomAD 0.007%). This variant has not been reported in the literature in individuals affected with PHKA1-related conditions. ClinVar contains an entry for this variant (Variation ID: 840990). Invitae Evidence Modeling of protein sequence and biophysical properties (such as structural, functional, and spatial information, amino acid conservation, physicochemical variation, residue mobility, and thermodynamic stability) indicates that this missense variant is expected to disrupt PHKA1 protein function with a positive predictive value of 80%. In summary, the available evidence is currently insufficient to determine the role of this variant in disease. Therefore, it has been classified as a Variant of Uncertain Significance.

Ambry Genetics
Classification: Uncertain significance for Inborn genetic diseases. Last evaluated: 2023-02-23. Review status: criteria provided, single submitter. Criteria: Ambry Variant Classification Scheme 2023. Collection method: clinical testing. Allele origin: germline.

NM_002637.4(PHKA1):c.1592A>T (p.Tyr531Phe)

Gene: PHKA1 (phosphorylase kinase regulatory subunit alpha 1; minus strand). Cytogenetic location: Xq13.1.
Variant type: single nucleotide variant.
Coding change: c.1592A>T on transcript NM_002637.4 (MANE Select); coding-DNA position 1592, A replaced by T.
Protein change: p.Tyr531Phe; replaces tyrosine 531 with phenylalanine.
Molecular consequence: missense variant.
Genome position (GRCh38, 1-based): chrX:72,635,277, T>A on the plus strand (A>T on the coding strand, the complement: PHKA1 is on the minus strand). VCF-style: chrX-72635277-T-A. GRCh37 (hg19) VCF-style: chrX-71855127-T-A.
Other names: c.1592A>T, p.Tyr531Phe (NM_001122670.2, NM_001172436.2); short protein forms Y531F.
Identifiers: ClinVar variation 840990 (VCV000840990.7), dbSNP rs781878909, ClinGen allele CA10450843.
Genomic context (GRCh38, chrX:72,635,277, plus strand): 5'-CAGAGGTAGGAGAGGTCTGTTCTAAGCATTTCCACTATCATCTTGTTGTCCAGAGCCAGG[T>A]AGAACTGTTGCTGGTCTATAAACTGAGACAAATAAAAATAATAGATTAGATTAATTTACT-3'
Protein context (NP_002628.2, residues 521-541): TPQFIDQQQF[Tyr531Phe]LALDNKMIVE